The following is an entry in ClinVar:

ClinVar aggregate classification (germline): Uncertain significance. Review status: criteria provided, single submitter (1 of 4 stars). 2 submissions from 2 submitters: Uncertain significance (1). 1 of the submissions does not count toward it. Last evaluated 2018-03-01.

Conditions:
Very long chain acyl-CoA dehydrogenase deficiency (ACADVLD). Also called: VLCAD Deficiency; Very Long-Chain Acyl-Coenzyme A Dehydrogenase Deficiency. Identifiers: Orphanet 26793, MedGen C3887523, MONDO:0008723, OMIM 201475.

Submissions (2):

ARUP Laboratories, Molecular Genetics and Genomics, ARUP Laboratories
Classification: Uncertain significance. Last evaluated: 2018-03-01. Review status: criteria provided, single submitter. Criteria: ARUP Molecular Germline Variant Investigation Process. Collection method: clinical testing. Allele origin: germline.
Comment: The ACADVL c.1052C>T; p.Thr351Ile variant, to our knowledge, is not reported in the medical literature or in gene-specific database. It is also absent from general population databases (1000 Genomes Project, Exome Variant Server, and Genome Aggregation Database), indicating it is not a common polymorphism. The threonine at codon 351 is highly conserved but computational algorithms (SIFT: tolerated, PolyPhen2: damaging) predict conflicting effects of this variant on protein structure/function. Given the lack of clinical and functional data regarding this variant, its clinical significance cannot be determined with certainty.

Natera, Inc.
Classification: Uncertain significance for Very long chain acyl-CoA dehydrogenase deficiency. Last evaluated: 2020-09-16. Review status: no assertion criteria provided. Collection method: clinical testing. Allele origin: germline. Not counted in ClinVar's aggregate classification.

NM_000018.4(ACADVL):c.1052C>T (p.Thr351Ile)

Gene: ACADVL (acyl-CoA dehydrogenase very long chain; plus strand). Cytogenetic location: 17p13.1.
Variant type: single nucleotide variant.
Coding change: c.1052C>T on transcript NM_000018.4 (MANE Select); coding-DNA position 1052, C replaced by T.
Protein change: p.Thr351Ile; replaces threonine 351 with isoleucine.
Molecular consequence: missense variant.
Genome position (GRCh38, 1-based): chr17:7,222,840, C>T. VCF-style: chr17-7222840-C-T. GRCh37 (hg19) VCF-style: chr17-7126159-C-T.
Other names: c.986C>T, p.Thr329Ile (NM_001033859.3); c.1121C>T, p.Thr374Ile (NM_001270447.2); c.824C>T, p.Thr275Ile (NM_001270448.2); short protein forms T275I, T351I, T374I, T329I.
Identifiers: ClinVar variation 618504 (VCV000618504.9), dbSNP rs796051911, ClinGen allele CA397724245.
Genomic context (GRCh38, chr17:7,222,840, plus strand): 5'-AGGTTGCCATGCACATCCTCAACAATGGAAGGTTTGGCATGGCTGCGGCCCTGGCAGGTA[C>T]CATGAGAGGCATCATTGCTAAGGCGGTGAGTACCCTGCCCGAGTCCCTAGGTAACCCAAA-3'
Protein context (NP_000009.1, residues 341-361): RFGMAAALAG[Thr351Ile]MRGIIAKAVD